The following is an entry in ClinVar:

NM_004168.4(SDHA):c.1026G>T (p.Val342=)

Gene: SDHA (succinate dehydrogenase complex flavoprotein subunit A; plus strand). Cytogenetic location: 5p15.33.
Variant type: single nucleotide variant.
Coding change: c.1026G>T on transcript NM_004168.4 (MANE Select); coding-DNA position 1026, G replaced by T.
Protein change: p.Val342=; no amino-acid change (valine 342 retained).
Molecular consequence: synonymous variant.
Genome position (GRCh38, 1-based): chr5:233,607, G>T. VCF-style: chr5-233607-G-T. GRCh37 (hg19) VCF-style: chr5-233722-G-T.
Other names: c.882G>T, p.Val294= (NM_001294332.2); c.1026G>T, p.Val342= (NM_001330758.2).
Identifiers: ClinVar variation 417243 (VCV000417243.16), dbSNP rs1060505004, ClinGen allele CA16611839.

ClinVar aggregate classification (germline): Benign/Likely benign. Review status: criteria provided, multiple submitters, no conflicts (2 of 4 stars). 4 submissions from 4 submitters: Benign (1); Likely benign (3). Last evaluated 2026-01-25.

Conditions:
Pheochromocytoma/paraganglioma syndrome 5. Also called: SDHA-Related Hereditary Paraganglioma-Pheochromocytoma Syndrome; Paragangliomas 5. Identifiers: Orphanet 29072, MedGen C3279992, MONDO:0013602, OMIM 614165.
Mitochondrial complex II deficiency, nuclear type 1. Also called: SUCCINATE CoQ REDUCTASE DEFICIENCY. Identifiers: Orphanet 3208, MedGen C5700310, MONDO:0100294, OMIM 252011.
Hereditary cancer-predisposing syndrome. Also called: Tumor predisposition; Hereditary Cancer Syndrome; Hereditary neoplastic syndrome; Neoplastic Syndromes, Hereditary. Identifiers: Orphanet 140162, MedGen C0027672, MeSH D009386, MONDO:0015356.

Allele frequency attached by ClinVar (database versions not stated): gnomAD exomes 0.00001; TOPMed 0.00001.
gnomAD v4.1: 26 of 1,614,036 alleles (0.0016%); highest among the groups gnomAD compares: Non-Finnish European, 0.0022%; no homozygotes.

Submissions (4):

Labcorp Genetics (formerly Invitae), Labcorp
Classification: Likely benign for Pheochromocytoma/paraganglioma syndrome 5; Mitochondrial complex II deficiency, nuclear type 1. Last evaluated: 2026-01-25. Review status: criteria provided, single submitter. Criteria: Invitae Variant Classification Sherloc (09022015). Collection method: clinical testing. Allele origin: germline.

Myriad Genetics, Inc.
Classification: Benign for Pheochromocytoma/paraganglioma syndrome 5. Last evaluated: 2025-03-07. Review status: criteria provided, single submitter. Criteria: Myriad Autosomal Dominant, Autosomal Recessive and X-Linked Classification Criteria (2023). Collection method: clinical testing. Allele origin: unknown.
Comment: This variant is considered benign. This variant is a silent/synonymous amino acid change and it is not expected to impact splicing.

Blueprint Genetics
Classification: Likely benign. Last evaluated: 2022-10-24. Review status: criteria provided, single submitter. Criteria: ACMG Guidelines, 2015. Collection method: clinical testing. Allele origin: germline.

Ambry Genetics
Classification: Likely benign for Hereditary cancer-predisposing syndrome. Last evaluated: 2021-01-22. Review status: criteria provided, single submitter. Criteria: Ambry Variant Classification Scheme 2023. Collection method: clinical testing. Allele origin: germline.